The following is an entry in ClinVar:

NM_003017.5(SRSF3):c.248G>T (p.Gly83Val)

Gene: SRSF3 (serine and arginine rich splicing factor 3; plus strand). Cytogenetic location: 6p21.31.
Variant type: single nucleotide variant.
Coding change: c.248G>T on transcript NM_003017.5 (MANE Select); coding-DNA position 248, G replaced by T.
Protein change: p.Gly83Val; replaces glycine 83 with valine.
Molecular consequence: missense variant. On other transcripts: non-coding transcript variant (1).
Genome position (GRCh38, 1-based): chr6:36,598,890, G>T. VCF-style: chr6-36598890-G-T. GRCh37 (hg19) VCF-style: chr6-36566667-G-T.
Other names: short protein forms G83V.
Identifiers: ClinVar variation 4845556 (VCV004845556.1).
Genomic context (GRCh38, chr6:36,598,890, plus strand): 5'-AATATCTTTGCCCCCTCAGAACACTATGTGGCTGCCGTGTAAGAGTGGAACTGTCGAATG[G>T]TGAAAAAAGAAGTAGAAATCGTGGCCCACCTCCCTCTTGGGGTCGTCGCCCTCGAGATGA-3'
Protein context (NP_003008.1, residues 73-93): GCRVRVELSN[Gly83Val]EKRSRNRGPP

ClinVar aggregate classification (germline): Uncertain significance (1 of 4 stars; one submission).

Submission:

Greenwood Genetic Center Diagnostic Laboratories, Greenwood Genetic Center
Classification: Uncertain significance. Last evaluated: 2025-12-29. Review status: criteria provided, single submitter. Criteria: ACMG Guidelines, 2015. Collection method: clinical testing. Allele origin: germline. Affected: yes.
Comment: Gene of Uncertain Significance